The following is an entry in ClinVar:

ClinVar aggregate classification (germline): Uncertain significance. Review status: criteria provided, multiple submitters, no conflicts (2 of 4 stars). 3 submissions from 3 submitters: Uncertain significance (3). Last evaluated 2026-06-01.

Conditions:
Inborn genetic diseases. Identifiers: MedGen C0950123, MeSH D030342.

Allele frequency attached by ClinVar (database versions not stated): ExAC 0.00003; ESP Exome Variant Server 0.00008; TOPMed 0.00005; gnomAD 0.00007.

Submissions (3):

Women's Health and Genetics/Laboratory Corporation of America, LabCorp
Classification: Uncertain significance. Last evaluated: 2026-06-01. Review status: criteria provided, single submitter. Criteria: LabCorp Variant Classification Summary - May 2015. Collection method: clinical testing. Allele origin: germline.
Comment: Variant summary: LBR c.1300G>T (p.Ala434Ser) results in a conservative amino acid change in the encoded protein sequence. Algorithms developed to predict the effect of missense changes on protein structure and function are either unavailable or do not agree on the potential impact of this missense change. The variant allele was found at a frequency of 3.6e-05 in 251312 control chromosomes. The available data on variant occurrences in the general population are insufficient to allow any conclusion about variant significance. To our knowledge, no occurrence of c.1300G>T in individuals affected with LBR-related conditions and no experimental evidence demonstrating its impact on protein function have been reported. ClinVar contains an entry for this variant (Variation ID: 2764656). Based on the evidence outlined above, the variant was classified as uncertain significance.

Ambry Genetics
Classification: Uncertain significance for Inborn genetic diseases. Last evaluated: 2025-11-19. Review status: criteria provided, single submitter. Criteria: Ambry Variant Classification Scheme 2023. Collection method: clinical testing. Allele origin: germline.

Labcorp Genetics (formerly Invitae), Labcorp
Classification: Uncertain significance. Last evaluated: 2025-04-24. Review status: criteria provided, single submitter. Criteria: Invitae Variant Classification Sherloc (09022015). Collection method: clinical testing. Allele origin: germline.
Comment: This sequence change replaces alanine, which is neutral and non-polar, with serine, which is neutral and polar, at codon 434 of the LBR protein (p.Ala434Ser). This variant is present in population databases (rs141750416, gnomAD 0.006%). This variant has not been reported in the literature in individuals affected with LBR-related conditions. ClinVar contains an entry for this variant (Variation ID: 2764656). Invitae Evidence Modeling of protein sequence and biophysical properties (such as structural, functional, and spatial information, amino acid conservation, physicochemical variation, residue mobility, and thermodynamic stability) indicates that this missense variant is not expected to disrupt LBR protein function with a negative predictive value of 80%. In summary, the available evidence is currently insufficient to determine the role of this variant in disease. Therefore, it has been classified as a Variant of Uncertain Significance.

NM_002296.4(LBR):c.1300G>T (p.Ala434Ser)

Gene: LBR (lamin B receptor; minus strand). Cytogenetic location: 1q42.12.
Variant type: single nucleotide variant.
Coding change: c.1300G>T on transcript NM_002296.4 (MANE Select); coding-DNA position 1300, G replaced by T.
Protein change: p.Ala434Ser; replaces alanine 434 with serine.
Molecular consequence: missense variant.
Genome position (GRCh38, 1-based): chr1:225,410,305, C>A on the plus strand (G>T on the coding strand, the complement: LBR is on the minus strand). VCF-style: chr1-225410305-C-A. GRCh37 (hg19) VCF-style: chr1-225598007-C-A.
Other names: c.1300G>T, p.Ala434Ser (NM_194442.3); c.1300G>T (NM_002296.3); short protein forms A434S.
Identifiers: ClinVar variation 2764656 (VCV002764656.5), dbSNP rs141750416, ClinGen allele CA1417187.